The following is an entry in ClinVar:

NM_004168.4(SDHA):c.1083_1084insTCT (p.Lys361_Asp362insSer)

Gene: SDHA (succinate dehydrogenase complex flavoprotein subunit A; plus strand). Cytogenetic location: 5p15.33.
Variant type: Insertion.
Coding change: c.1083_1084insTCT on transcript NM_004168.4 (MANE Select); coding-DNA positions 1083 to 1084, TCT inserted.
Protein change: p.Lys361_Asp362insSer.
Molecular consequence: inframe insertion.
Genome position: GRCh38 VCF-style: chr5-235162-A-ATCT. GRCh37 (hg19) VCF-style: chr5-235277-A-ATCT.
Other names: c.939_940insTCT, p.Lys313_Asp314insSer (NM_001294332.2); c.1083_1084insTCT, p.Lys361_Asp362insSer (NM_001330758.2).
Identifiers: ClinVar variation 936825 (VCV000936825.9), dbSNP rs1735687291, ClinGen allele CA1139658723.

ClinVar aggregate classification (germline): Uncertain significance (1 of 4 stars; one submission).

Conditions:
Mitochondrial complex II deficiency, nuclear type 1. Also called: SUCCINATE CoQ REDUCTASE DEFICIENCY. Identifiers: Orphanet 3208, MedGen C5700310, MONDO:0100294, OMIM 252011.
Pheochromocytoma/paraganglioma syndrome 5. Also called: Paragangliomas 5; SDHA-Related Hereditary Paraganglioma-Pheochromocytoma Syndrome. Identifiers: Orphanet 29072, MedGen C3279992, MONDO:0013602, OMIM 614165.

Submission:

Labcorp Genetics (formerly Invitae), Labcorp
Classification: Uncertain significance for Pheochromocytoma/paraganglioma syndrome 5; Mitochondrial complex II deficiency, nuclear type 1. Last evaluated: 2024-07-19. Review status: criteria provided, single submitter. Criteria: Invitae Variant Classification Sherloc (09022015). Collection method: clinical testing. Allele origin: germline.
Comment: This variant, c.1083_1084insTCT, results in the insertion of 1 amino acid(s) of the SDHA protein (p.Lys361_Asp362insSer), but otherwise preserves the integrity of the reading frame. This variant is not present in population databases (gnomAD no frequency). This variant has not been reported in the literature in individuals affected with SDHA-related conditions. ClinVar contains an entry for this variant (Variation ID: 936825). Experimental studies and prediction algorithms are not available or were not evaluated, and the functional significance of this variant is currently unknown. In summary, the available evidence is currently insufficient to determine the role of this variant in disease. Therefore, it has been classified as a Variant of Uncertain Significance.